The following is an entry in ClinVar:

NM_130797.4(DPP6):c.939C>T (p.Leu313=)

Gene: DPP6 (dipeptidyl peptidase like 6; plus strand). Cytogenetic location: 7q36.2.
Variant type: single nucleotide variant.
Coding change: c.939C>T on transcript NM_130797.4 (MANE Select); coding-DNA position 939, C replaced by T.
Protein change: p.Leu313=; no amino-acid change (leucine 313 retained).
Molecular consequence: synonymous variant. On other transcripts: non-coding transcript variant (2).
Genome position (GRCh38, 1-based): chr7:154,769,472, C>T. VCF-style: chr7-154769472-C-T. GRCh37 (hg19) VCF-style: chr7-154561182-C-T.
Other names: c.747C>T, p.Leu249= (NM_001039350.3, NM_001364501.2); c.618C>T, p.Leu206= (NM_001290252.2); c.756C>T, p.Leu252= (NM_001364497.2, NM_001364498.2, NM_001364499.2 and 1 more transcripts); c.753C>T, p.Leu251= (NM_001936.5).
Identifiers: ClinVar variation 3041146 (VCV003041146.22), dbSNP rs143455186, ClinGen allele CA4583346.

ClinVar aggregate classification (germline): Likely benign. Review status: criteria provided, single submitter (1 of 4 stars). 2 submissions from 2 submitters: Likely benign (1). 1 of the submissions does not count toward it. Last evaluated 2024-03-01.

Conditions:
DPP6-related disorder. Also called: DPP6-related condition.

Allele frequency attached by ClinVar (database versions not stated): ExAC 0.00047; 1000 Genomes Project 30x 0.00062; 1000 Genomes Project 0.00080; ESP Exome Variant Server 0.00113; gnomAD 0.00137; TOPMed 0.00164.
gnomAD v4.1: 424 of 1,613,708 alleles (0.026%); highest among the groups gnomAD compares: African/African-American, 0.47%; 2 homozygotes.

Submissions (2):

CeGaT Center for Human Genetics Tuebingen
Classification: Likely benign. Last evaluated: 2024-03-01. Review status: criteria provided, single submitter. Criteria: CeGaT Center For Human Genetics Tuebingen Variant Classification Criteria Version 2. Collection method: clinical testing. Allele origin: germline. Affected: yes. Observed: 1 variant allele.
Comment: DPP6: BP4, BP7

PreventionGenetics, part of Exact Sciences
Classification: Benign for DPP6-related condition. Last evaluated: 2019-03-29. Review status: no assertion criteria provided. Collection method: clinical testing. Allele origin: germline. Not counted in ClinVar's aggregate classification.
Comment: This variant is classified as benign based on ACMG/AMP sequence variant interpretation guidelines (Richards et al. 2015 PMID: 25741868, with internal and published modifications).